The following is an entry in ClinVar:

ClinVar aggregate classification (germline): Pathogenic (1 of 4 stars; one submission).

Conditions:
Ehlers-Danlos syndrome, type 4 (EDSVASC). Also called: Ehlers-Danlos syndrome vascular type; Ehlers Danlos syndrome, ecchymotic type; Ehlers Danlos syndrome, arterial type; Ehlers Danlos syndrome, Sack-Barabas type; Ehlers-Danlos Syndrome Type IV. Identifiers: Orphanet 286, MedGen C0268338, MONDO:0017314, OMIM 130050.

Submission:

Labcorp Genetics (formerly Invitae), Labcorp
Classification: Pathogenic for Ehlers-Danlos syndrome, type 4. Last evaluated: 2020-11-12. Review status: criteria provided, single submitter. Criteria: Invitae Variant Classification Sherloc (09022015). Collection method: clinical testing. Allele origin: germline.
Comment: For these reasons, this variant has been classified as Pathogenic. This variant disrupts the triple helix domain of COL3A1. Glycine residues within the Gly-Xaa-Yaa repeats of the triple helix domain are required for the structure and stability of fibrillar collagens (PMID: 7695699, 8218237, 19344236). In COL3A1, variants that affect these glycine residues are significantly enriched in individuals with disease (PMID: 24922459, 25758994) compared to the general population (ExAC). Advanced modeling of protein sequence and biophysical properties (such as structural, functional, and spatial information, amino acid conservation, physicochemical variation, residue mobility, and thermodynamic stability) performed at Invitae indicates that this missense variant is expected to disrupt COL3A1 protein function. This variant has not been reported in the literature in individuals with COL3A1-related conditions. This variant is not present in population databases (ExAC no frequency). This sequence change replaces glycine with valine at codon 183 of the COL3A1 protein (p.Gly183Val). The glycine residue is highly conserved and there is a moderate physicochemical difference between glycine and valine.

Literature cited by the submitters: PubMed 7695699; PubMed 8218237; PubMed 19344236; PubMed 24922459; PubMed 25758994.

NM_000090.4(COL3A1):c.548G>T (p.Gly183Val)

Gene: COL3A1 (collagen type III alpha 1 chain; plus strand). Cytogenetic location: 2q32.2.
Variant type: single nucleotide variant.
Coding change: c.548G>T on transcript NM_000090.4 (MANE Select); coding-DNA position 548, G replaced by T.
Protein change: p.Gly183Val; replaces glycine 183 with valine.
Molecular consequence: missense variant.
Genome position (GRCh38, 1-based): chr2:188,988,100, G>T. VCF-style: chr2-188988100-G-T. GRCh37 (hg19) VCF-style: chr2-189852826-G-T.
Other names: short protein forms G183V.
Identifiers: ClinVar variation 1457178 (VCV001457178.8), dbSNP rs587779420, ClinGen allele CA349848241.